The following is an entry in ClinVar:

NM_003072.5(SMARCA4):c.347A>G (p.His116Arg)

Gene: SMARCA4 (SWI/SNF related BAF chromatin remodeling complex subunit ATPase 4; plus strand). Cytogenetic location: 19p13.2.
Variant type: single nucleotide variant.
Coding change: c.347A>G on transcript NM_003072.5 (MANE Select); coding-DNA position 347, A replaced by G.
Protein change: p.His116Arg; replaces histidine 116 with arginine.
Molecular consequence: missense variant. On other transcripts: non-coding transcript variant (1).
Genome position (GRCh38, 1-based): chr19:10,985,397, A>G. VCF-style: chr19-10985397-A-G. GRCh37 (hg19) VCF-style: chr19-11096073-A-G.
Other names: c.347A>G, p.His116Arg (NM_001128844.3, NM_001128845.2, NM_001128846.2 and 6 more transcripts); short protein forms H116R.
Identifiers: ClinVar variation 1996109 (VCV001996109.4), dbSNP rs2145752863, ClinGen allele CA404055392.

ClinVar aggregate classification (germline): Uncertain significance (1 of 4 stars; one submission).

Conditions:
Rhabdoid tumor predisposition syndrome 2 (RTPS2). Identifiers: Orphanet 231108, Orphanet 69077, MedGen C2750074, MONDO:0013224, OMIM 613325.

Submission:

Labcorp Genetics (formerly Invitae), Labcorp
Classification: Uncertain significance for Rhabdoid tumor predisposition syndrome 2. Last evaluated: 2022-05-18. Review status: criteria provided, single submitter. Criteria: Invitae Variant Classification Sherloc (09022015). Collection method: clinical testing. Allele origin: germline.
Comment: This sequence change replaces histidine, which is basic and polar, with arginine, which is basic and polar, at codon 116 of the SMARCA4 protein (p.His116Arg). This variant is not present in population databases (gnomAD no frequency). This variant has not been reported in the literature in individuals affected with SMARCA4-related conditions. Algorithms developed to predict the effect of missense changes on protein structure and function (SIFT, PolyPhen-2, Align-GVGD) all suggest that this variant is likely to be disruptive. In summary, the available evidence is currently insufficient to determine the role of this variant in disease. Therefore, it has been classified as a Variant of Uncertain Significance.